The following is an entry in ClinVar:

NM_001017989.3(OPA3):c.445del (p.Leu149fs)

Genes: OPA3 (outer mitochondrial membrane lipid metabolism regulator OPA3; minus strand), OPA3-RTN2 (OPA3-RTN2 readthrough; minus strand). Cytogenetic location: 19q13.32.
Variant type: Deletion.
Coding change: c.445del on transcript NM_001017989.3; coding-DNA position 445, one base deleted (C; older notation c.445delC).
Protein change: p.Leu149fs; shifts the reading frame from leucine 149.
Molecular consequence: frameshift variant.
Genome position (GRCh38, 1-based): chr19:45,529,154, G deleted on the plus strand (C on the coding strand, the reverse complement: OPA3 is on the minus strand); the first of 3 consecutive G bases (chr19:45,529,154-45,529,156); deleting any one gives the same sequence. VCF-style (leftmost placement, unchanged base first): chr19-45529153-AG-A. GRCh37 (hg19) VCF-style: chr19-46032411-AG-A.
Other names: c.445delC (NM_001017989.2); short protein forms L149fs.
Identifiers: ClinVar variation 549871 (VCV000549871.9), dbSNP rs780299639, ClinGen allele CA9517279.

ClinVar aggregate classification (germline): Uncertain significance. Review status: criteria provided, multiple submitters, no conflicts (2 of 4 stars). 4 submissions from 4 submitters: Uncertain significance (3). 1 of the submissions does not count toward it. Last evaluated 2022-10-07.

Conditions:
Inborn genetic diseases. Identifiers: MedGen C0950123, MeSH D030342.
3-Methylglutaconic aciduria type 3 (MGCA3). Also called: OPA3-Related 3-Methylglutaconic Aciduria; Costeff Syndrome; OPA3, AUTOSOMAL RECESSIVE; OPTIC ATROPHY 3, AUTOSOMAL RECESSIVE. Identifiers: Orphanet 67047, MedGen C0574084, MONDO:0009787, OMIM 258501.
Optic atrophy 3 (OPA3). Also called: Optic atrophy 3 with cataract; OPTIC ATROPHY 3, AUTOSOMAL DOMINANT; Optic atrophy, cataract, and neurologic disorder. Identifiers: Orphanet 67036, MedGen C1833809, MONDO:0008133, OMIM 165300.

Submissions (4):

Blueprint Genetics
Classification: Uncertain significance. Last evaluated: 2022-10-07. Review status: criteria provided, single submitter. Criteria: ACMG Guidelines, 2015. Collection method: clinical testing. Allele origin: germline.

Ambry Genetics
Classification: Uncertain significance for Inborn genetic diseases. Last evaluated: 2022-01-19. Review status: criteria provided, single submitter. Criteria: Ambry Variant Classification Scheme 2023. Collection method: clinical testing. Allele origin: germline.
Comment: The c.445delC (p.L149Wfs*67) alteration, located in exon 2 (coding exon 2) of the OPA3 gene, consists of a deletion of one nucleotide at position 445, causing a translational frameshift with a predicted alternate stop codon after 67 amino acids. Frameshift alterations are typically deleterious in nature (Richards, 2015). Based on insufficient or conflicting evidence, the clinical significance of this alteration remains unclear.

Fulgent Genetics
Classification: Uncertain significance for Optic atrophy 3; 3-Methylglutaconic aciduria type 3. Last evaluated: 2021-12-20. Review status: criteria provided, single submitter. Criteria: ACMG Guidelines, 2015. Collection method: clinical testing. Allele origin: unknown.

Counsyl
Classification: Uncertain significance for 3-Methylglutaconic aciduria type 3. Last evaluated: 2017-04-24. Review status: no assertion criteria provided. Collection method: clinical testing. Allele origin: unknown. Not counted in ClinVar's aggregate classification.